The following is an entry in ClinVar:

ClinVar aggregate classification (germline): Uncertain significance (1 of 4 stars; one submission).

Submission:

GeneDx
Classification: Uncertain significance. Last evaluated: 2023-03-28. Review status: criteria provided, single submitter. Criteria: GeneDx Variant Classification Process June 2021. Collection method: clinical testing. Allele origin: germline. Affected: yes.
Comment: Not observed at significant frequency in large population cohorts (gnomAD); In silico analysis supports that this missense variant does not alter protein structure/function; Has not been previously published as pathogenic or benign to our knowledge

NM_001260.3(CDK8):c.1368G>T (p.Gln456His)

Gene: CDK8 (cyclin dependent kinase 8; plus strand). Cytogenetic location: 13q12.13.
Variant type: single nucleotide variant.
Coding change: c.1368G>T on transcript NM_001260.3 (MANE Select); coding-DNA position 1368, G replaced by T.
Protein change: p.Gln456His; replaces glutamine 456 with histidine.
Molecular consequence: missense variant.
Genome position (GRCh38, 1-based): chr13:26,404,054, G>T. VCF-style: chr13-26404054-G-T. GRCh37 (hg19) VCF-style: chr13-26978191-G-T.
Other names: c.1365G>T, p.Gln455His (NM_001318368.2); c.849G>T, p.Gln283His (NM_001346501.2); short protein forms Q283H, Q455H, Q456H.
Identifiers: ClinVar variation 2581945 (VCV002581945.1), dbSNP rs1408189520, ClinGen allele CA387686726.